The following is an entry in ClinVar:

NM_001195263.2(PDZD7):c.1749G>A (p.Arg583=)

Gene: PDZD7 (PDZ domain containing 7; minus strand). Cytogenetic location: 10q24.31.
Variant type: single nucleotide variant.
Coding change: c.1749G>A on transcript NM_001195263.2 (MANE Select); coding-DNA position 1749, G replaced by A.
Protein change: p.Arg583=; no amino-acid change (arginine 583 retained).
Molecular consequence: synonymous variant.
Genome position (GRCh38, 1-based): chr10:101,015,636, C>T on the plus strand (G>A on the coding strand, the complement: PDZD7 is on the minus strand). VCF-style: chr10-101015636-C-T. GRCh37 (hg19) VCF-style: chr10-102775393-C-T.
Identifiers: ClinVar variation 3906741 (VCV003906741.1).
Genomic context (GRCh38, chr10:101,015,636, plus strand): 5'-ATGATGGGCTGGGTGACTGAAGGACCGTGTGCCAGGGCTGCGGATGGGATGAAGGCTTAC[C>T]CGGGAGCAGTGGCGGGTGACAGCCAGCACCTCGTCATCAGTCAGCAGCCTCTGGGCCAGG-3'
Protein context (NP_001182192.1, residues 573-593): EVLAVTRHCS[Arg583=]YVHEGGIEDL

ClinVar aggregate classification (germline): Uncertain significance (1 of 4 stars; one submission).

Submission:

GeneDx
Classification: Uncertain significance. Last evaluated: 2024-12-19. Review status: criteria provided, single submitter. Criteria: GeneDx Variant Classification Process June 2021. Collection method: clinical testing. Allele origin: germline. Affected: yes.
Comment: Not observed at significant frequency in large population cohorts (gnomAD); Has not been previously published as pathogenic or benign to our knowledge; In silico analysis is inconclusive as to whether the variant alters gene splicing. In the absence of RNA/functional studies, the actual effect of this sequence change is unknown.